The following is an entry in ClinVar:

NM_005076.5(CNTN2):c.1411G>A (p.Gly471Ser)

Gene: CNTN2 (contactin 2; plus strand). Cytogenetic location: 1q32.1.
Variant type: single nucleotide variant.
Coding change: c.1411G>A on transcript NM_005076.5 (MANE Select); coding-DNA position 1411, G replaced by A.
Protein change: p.Gly471Ser; replaces glycine 471 with serine.
Molecular consequence: missense variant. On other transcripts: non-coding transcript variant (1).
Genome position (GRCh38, 1-based): chr1:205,064,642, G>A. VCF-style: chr1-205064642-G-A. GRCh37 (hg19) VCF-style: chr1-205033770-G-A.
Other names: c.1411G>A, p.Gly471Ser (NM_001346083.2); short protein forms G471S.
Identifiers: ClinVar variation 541411 (VCV000541411.7), dbSNP rs191357187, ClinGen allele CA1351380.

ClinVar aggregate classification (germline): Uncertain significance (1 of 4 stars; one submission).

Conditions:
Epilepsy, familial adult myoclonic, 5 (EPEO5). Also called: CORTICAL MYOCLONIC TREMOR WITH EPILEPSY, FAMILIAL, 5. Identifiers: Orphanet 86814, MedGen C3809374, MONDO:0014167, OMIM 615400.

Allele frequency attached by ClinVar (database versions not stated): gnomAD exomes 0.00001; ExAC 0.00002; gnomAD 0.00012 and 0.00013; TOPMed 0.00024; 1000 Genomes Project 0.00040; 1000 Genomes Project 30x 0.00047.
gnomAD v4.1: 31 of 1,614,146 alleles (0.0019%); highest among the groups gnomAD compares: Admixed American, 0.04%; no homozygotes.

Submission:

Labcorp Genetics (formerly Invitae), Labcorp
Classification: Uncertain significance for Epilepsy, familial adult myoclonic, 5. Last evaluated: 2022-10-25. Review status: criteria provided, single submitter. Criteria: Invitae Variant Classification Sherloc (09022015). Collection method: clinical testing. Allele origin: germline.
Comment: This sequence change replaces glycine, which is neutral and non-polar, with serine, which is neutral and polar, at codon 471 of the CNTN2 protein (p.Gly471Ser). This variant is present in population databases (rs191357187, gnomAD 0.006%). This variant has not been reported in the literature in individuals affected with CNTN2-related conditions. ClinVar contains an entry for this variant (Variation ID: 541411). Algorithms developed to predict the effect of missense changes on protein structure and function (SIFT, PolyPhen-2, Align-GVGD) all suggest that this variant is likely to be disruptive. In summary, the available evidence is currently insufficient to determine the role of this variant in disease. Therefore, it has been classified as a Variant of Uncertain Significance.